The following is an entry in ClinVar:

ClinVar aggregate classification (germline): Uncertain significance. Review status: criteria provided, multiple submitters, no conflicts (2 of 4 stars). 2 submissions from 2 submitters: Uncertain significance (2). Last evaluated 2025-05-13.

Conditions:
Myofibrillar myopathy 5. Also called: FILAMINOPATHY, AUTOSOMAL DOMINANT; Filaminopathy (type). Identifiers: Orphanet 171445, MedGen C1836050, MONDO:0012289, OMIM 609524.
Distal myopathy with posterior leg and anterior hand involvement. Also called: WILLIAMS DISTAL MYOPATHY. Identifiers: Orphanet 63273, MedGen C3279722, MONDO:0013550, OMIM 614065.
Hypertrophic cardiomyopathy 26. Also called: Cardiomyopathy, familial hypertrophic, 26. Identifiers: Orphanet 75249, MedGen C4310749, MONDO:0014883, OMIM 617047.

Submissions (2):

GeneDx
Classification: Uncertain significance. Last evaluated: 2025-05-13. Review status: criteria provided, single submitter. Criteria: GeneDx Variant Classification Process June 2021. Collection method: clinical testing. Allele origin: germline. Affected: yes.
Comment: Not observed at significant frequency in large population cohorts (gnomAD); In silico analysis suggests that this missense variant does not alter protein structure/function; Has not been previously published as pathogenic or benign to our knowledge

Labcorp Genetics (formerly Invitae), Labcorp
Classification: Uncertain significance for Distal myopathy with posterior leg and anterior hand involvement; Myofibrillar myopathy 5; Hypertrophic cardiomyopathy 26. Last evaluated: 2024-04-29. Review status: criteria provided, single submitter. Criteria: Invitae Variant Classification Sherloc (09022015). Collection method: clinical testing. Allele origin: germline.
Comment: This sequence change replaces tyrosine, which is neutral and polar, with histidine, which is basic and polar, at codon 928 of the FLNC protein (p.Tyr928His). This variant is not present in population databases (gnomAD no frequency). This variant has not been reported in the literature in individuals affected with FLNC-related conditions. ClinVar contains an entry for this variant (Variation ID: 950877). Advanced modeling of protein sequence and biophysical properties (such as structural, functional, and spatial information, amino acid conservation, physicochemical variation, residue mobility, and thermodynamic stability) has been performed at Invitae for this missense variant, however the output from this modeling did not meet the statistical confidence thresholds required to predict the impact of this variant on FLNC protein function. In summary, the available evidence is currently insufficient to determine the role of this variant in disease. Therefore, it has been classified as a Variant of Uncertain Significance.

NM_001458.5(FLNC):c.2782T>C (p.Tyr928His)

Gene: FLNC (filamin C; plus strand). Cytogenetic location: 7q32.1.
Variant type: single nucleotide variant.
Coding change: c.2782T>C on transcript NM_001458.5 (MANE Select); coding-DNA position 2782, T replaced by C.
Protein change: p.Tyr928His; replaces tyrosine 928 with histidine.
Molecular consequence: missense variant.
Genome position (GRCh38, 1-based): chr7:128,843,548, T>C. VCF-style: chr7-128843548-T-C. GRCh37 (hg19) VCF-style: chr7-128483602-T-C.
Other names: c.2782T>C, p.Tyr928His (NM_001127487.2); short protein forms Y928H.
Identifiers: ClinVar variation 950877 (VCV000950877.11), dbSNP rs1808429909, ClinGen allele CA369193261.